The following is an entry in ClinVar:

ClinVar aggregate classification (germline): Likely benign (1 of 4 stars; one submission).

gnomAD v4.1: 11 of 1,614,116 alleles (0.00068%); highest among the groups gnomAD compares: East Asian, 0.0022%; no homozygotes.

Submission:

CeGaT Center for Human Genetics Tuebingen
Classification: Likely benign. Last evaluated: 2025-11-01. Review status: criteria provided, single submitter. Criteria: CeGaT Center For Human Genetics Tuebingen Variant Classification Criteria Version 2. Collection method: clinical testing. Allele origin: germline. Affected: yes. Observed: 1 variant allele.
Comment: PCDHGC5: BP4, BP7

NM_018929.3(PCDHGC5):c.1782C>T (p.Ala594=)

Genes: PCDHG@ (protocadherin gamma cluster; plus strand), PCDHGA1 (protocadherin gamma subfamily A, 1; plus strand), PCDHGA10 (protocadherin gamma subfamily A, 10; plus strand), PCDHGA11 (protocadherin gamma subfamily A, 11; plus strand), PCDHGA12 (protocadherin gamma subfamily A, 12; plus strand) and 18 more. Cytogenetic location: 5q31.3.
Variant type: single nucleotide variant.
Coding change: c.1782C>T on transcript NM_018929.3 (MANE Select); coding-DNA position 1782, C replaced by T.
Protein change: p.Ala594=; no amino-acid change (alanine 594 retained).
Molecular consequence: synonymous variant. On other transcripts: intron variant (24).
Genome position (GRCh38, 1-based): chr5:141,491,022, C>T. VCF-style: chr5-141491022-C-T. GRCh37 (hg19) VCF-style: chr5-140870589-C-T.
Other names: c.1782C>T, p.Ala594= (NM_032407.1); c.2422-3785C>T (NM_018912.3, NM_018923.3, NM_018918.3); c.2425-3785C>T (NM_018915.4, NM_018916.4, NM_018919.3 and 4 more transcripts); c.2410-3785C>T (NM_018922.3); c.2515-3785C>T (NM_018917.4); c.2416-3785C>T (NM_018924.5, NM_018927.4); c.2398-3785C>T (NM_003736.4, NM_018925.3); c.2419-3785C>T (NM_018926.3); and 7 more.
Identifiers: ClinVar variation 4534267 (VCV004534267.6).